The following is an entry in ClinVar:

NM_001012614.2(CTBP1):c.449A>G (p.Gln150Arg)

Gene: CTBP1 (C-terminal binding protein 1; minus strand). Cytogenetic location: 4p16.3.
Variant type: single nucleotide variant.
Coding change: c.449A>G on transcript NM_001012614.2 (MANE Select); coding-DNA position 449, A replaced by G.
Protein change: p.Gln150Arg; replaces glutamine 150 with arginine.
Molecular consequence: missense variant.
Genome position (GRCh38, 1-based): chr4:1,225,425, T>C on the plus strand (A>G on the coding strand, the complement: CTBP1 is on the minus strand). VCF-style: chr4-1225425-T-C. GRCh37 (hg19) VCF-style: chr4-1219213-T-C.
Other names: c.482A>G, p.Gln161Arg (NM_001328.3, NM_001377186.1); c.449A>G, p.Gln150Arg (NM_001377187.1, NM_001377188.1, NM_001377189.1 and 4 more transcripts); short protein forms Q150R, Q161R.
Identifiers: ClinVar variation 2502143 (VCV002502143.1), dbSNP rs375752732, ClinGen allele CA2804422.
Genomic context (GRCh38, chr4:1,225,425, plus strand): 5'-CCGATGATGCCCAAGGTCTCCCCGCGGATCCTGGCAGCGCCGGACGCCACCTCGCGGATC[T>C]GCTCGACGCTCTGGACTCGTGTGCCCTCCCGCAGCGCCTGGTGCAGCCAGGTGGCCCGCC-3'
Protein context (NP_001012632.1, residues 140-160): REGTRVQSVE[Gln150Arg]IREVASGAAR

ClinVar aggregate classification (germline): Uncertain significance (1 of 4 stars; one submission).

Allele frequency attached by ClinVar (database versions not stated): TOPMed below 0.00001; ExAC 0.00005; ESP Exome Variant Server 0.00008.

Submission:

GeneDx
Classification: Uncertain significance. Last evaluated: 2022-11-10. Review status: criteria provided, single submitter. Criteria: GeneDx Variant Classification Process June 2021. Collection method: clinical testing. Allele origin: germline. Affected: yes.
Comment: In silico analysis supports that this missense variant has a deleterious effect on protein structure/function; Has not been previously published as pathogenic or benign to our knowledge